The following is an entry in ClinVar:

NM_003285.3(TNR):c.1240+1G>A

Gene: TNR (tenascin R; minus strand). Cytogenetic location: 1q25.1.
Variant type: single nucleotide variant.
Coding change: c.1240+1G>A on transcript NM_003285.3 (MANE Select); the canonical splice donor site of the intron after coding-DNA position 1240, G replaced by A.
Molecular consequence: splice donor variant.
Genome position (GRCh38, 1-based): chr1:175,396,543, C>T on the plus strand (G>A on the coding strand, the complement: TNR is on the minus strand). VCF-style: chr1-175396543-C-T. GRCh37 (hg19) VCF-style: chr1-175365679-C-T.
Other names: c.241+1G>A (NM_001328635.2).
Identifiers: ClinVar variation 2146033 (VCV002146033.2), dbSNP rs1245352495, ClinGen allele CA1255997.
Genomic context (GRCh38, chr1:175,396,543, plus strand): 5'-ATGCCCATGATCTCATGTAGGAGAAAAGAAAAATGAAGCAGGACGGGGAAATGGTACGTA[C>T]GGGTGGCCACCTTGGCAGTGATGGGAAGGCTGAGGATGTTGCTAATGACAGCGTAGACGC-3'

ClinVar aggregate classification (germline): Likely pathogenic (1 of 4 stars; one submission).

Allele frequency attached by ClinVar (database versions not stated): ExAC 0.00001; gnomAD 0.00001; gnomAD exomes 0.00001; TOPMed 0.00001.
gnomAD v4.1: 8 of 1,613,028 alleles (0.0005%); highest among the groups gnomAD compares: Admixed American, 0.0067%; no homozygotes.

Submissions (2):

Labcorp Genetics (formerly Invitae), Labcorp
Classification: Likely pathogenic. Last evaluated: 2022-07-05. Review status: criteria provided, single submitter. Criteria: Invitae Variant Classification Sherloc (09022015). Collection method: clinical testing. Allele origin: germline.
Comment: This sequence change affects a donor splice site in intron 5 of the TNR gene. It is expected to disrupt RNA splicing. Variants that disrupt the donor or acceptor splice site typically lead to a loss of protein function (PMID: 16199547), and loss-of-function variants in TNR are known to be pathogenic (PMID: 32099069). This variant is present in population databases (no rsID available, gnomAD 0.009%). This variant has not been reported in the literature in individuals affected with TNR-related conditions. Algorithms developed to predict the effect of sequence changes on RNA splicing suggest that this variant may disrupt the consensus splice site. In summary, the currently available evidence indicates that the variant is pathogenic, but additional data are needed to prove that conclusively. Therefore, this variant has been classified as Likely Pathogenic.

Dr. Peter K. Rogan Lab, Western University
No classification provided (evidence only). Condition: Gastric cancer. Review status: no classification provided. Collection method: in vitro. Allele origin: not applicable. Functional consequence: retained intron. Not counted in ClinVar's aggregate classification.

Literature cited by the submitters: PubMed 16199547 (cited by Labcorp Genetics (formerly Invitae), Labcorp); PubMed 32099069 (cited by Labcorp Genetics (formerly Invitae), Labcorp).